The following is an entry in ClinVar:

ClinVar aggregate classification (germline): Pathogenic (1 of 4 stars; one submission).

Submission:

GeneDx
Classification: Pathogenic. Last evaluated: 2025-06-02. Review status: criteria provided, single submitter. Criteria: GeneDx Variant Classification Process June 2021. Collection method: clinical testing. Allele origin: germline. Affected: yes.
Comment: Reported as a de novo variant in an individual from a large cohort study, however specific clinical information was not provided (PMID: 36477409); Canonical splice site variant predicted to result in a null allele in a gene for which loss of function is a known mechanism of disease; Not observed at significant frequency in large population cohorts (gnomAD); This variant is associated with the following publications: (PMID: 36477409)

NM_001015877.2(PHF6):c.375-1G>A

Gene: PHF6 (PHD finger protein 6; plus strand). Cytogenetic location: Xq26.2.
Variant type: single nucleotide variant.
Coding change: c.375-1G>A on transcript NM_001015877.2 (MANE Select); the canonical splice acceptor site of the intron before coding-DNA position 375, G replaced by A.
Molecular consequence: splice acceptor variant.
Genome position (GRCh38, 1-based): chrX:134,393,908, G>A. VCF-style: chrX-134393908-G-A. GRCh37 (hg19) VCF-style: chrX-133527938-G-A.
Other names: c.375-1G>A (NM_032458.3, NM_032335.3).
Identifiers: ClinVar variation 3371391 (VCV003371391.2).
Genomic context (GRCh38, chrX:134,393,908, plus strand): 5'-ATTTGAAAAGTGAGTTTAATTTAGTTTGCTTACTAATTTTTGATTTCTTCATTTTTTATA[G>A]GGTCTATTGCCGAAAACACAAGAAAACTGCACATAACTCCGAAGGTACATCATTTAGCCA-3'